The following is an entry in ClinVar:

ClinVar aggregate classification (germline): Likely benign (0 of 4 stars; one submission).

Conditions:
GLI2-related disorder. Also called: GLI2-related condition; GLI2-related disorders.

Allele frequency attached by ClinVar (database versions not stated): TOPMed below 0.00001.

Submission:

PreventionGenetics, part of Exact Sciences
Classification: Likely benign for GLI2-related condition. Last evaluated: 2022-10-06. Review status: no assertion criteria provided. Collection method: clinical testing. Allele origin: germline.
Comment: This variant is classified as likely benign based on ACMG/AMP sequence variant interpretation guidelines (Richards et al. 2015 PMID: 25741868, with internal and published modifications).

NM_001374353.1(GLI2):c.1617C>G (p.Arg539=)

Gene: GLI2 (GLI family zinc finger 2; plus strand). Cytogenetic location: 2q14.2.
Variant type: single nucleotide variant.
Coding change: c.1617C>G on transcript NM_001374353.1 (MANE Select); coding-DNA position 1617, C replaced by G.
Protein change: p.Arg539=; no amino-acid change (arginine 539 retained).
Molecular consequence: synonymous variant.
Genome position (GRCh38, 1-based): chr2:120,982,865, C>G. VCF-style: chr2-120982865-C-G. GRCh37 (hg19) VCF-style: chr2-121740441-C-G.
Other names: c.1668C>G, p.Arg556= (NM_001371271.1, NM_005270.5); c.1242C>G, p.Arg414= (NM_001374354.1).
Identifiers: ClinVar variation 3054279 (VCV003054279.2), dbSNP rs983304510, ClinGen allele CA54376441.